The following is an entry in ClinVar:

NM_000293.3(PHKB):c.308G>A (p.Arg103Gln)

Gene: PHKB (phosphorylase kinase regulatory subunit beta; plus strand). Cytogenetic location: 16q12.1.
Variant type: single nucleotide variant.
Coding change: c.308G>A on transcript NM_000293.3 (MANE Select); coding-DNA position 308, G replaced by A.
Protein change: p.Arg103Gln; replaces arginine 103 with glutamine.
Molecular consequence: missense variant.
Genome position (GRCh38, 1-based): chr16:47,502,993, G>A. VCF-style: chr16-47502993-G-A. GRCh37 (hg19) VCF-style: chr16-47536904-G-A.
Other names: c.287G>A, p.Arg96Gln (NM_001031835.3); c.308G>A, p.Arg103Gln (NM_001363837.1); c.308G>A (NM_000293.2); short protein forms R103Q, R96Q.
Identifiers: ClinVar variation 2183980 (VCV002183980.2), dbSNP rs368975705, ClinGen allele CA8040445.

ClinVar aggregate classification (germline): Uncertain significance. Review status: criteria provided, multiple submitters, no conflicts (2 of 4 stars). 2 submissions from 2 submitters: Uncertain significance (2). Last evaluated 2022-12-16.

Conditions:
Inborn genetic diseases. Identifiers: MedGen C0950123, MeSH D030342.
Glycogen storage disease IXb (GSD9B). Also called: GLYCOGENOSIS OF LIVER AND MUSCLE, AUTOSOMAL RECESSIVE; GSD IXb; PHOSPHORYLASE KINASE DEFICIENCY OF LIVER AND MUSCLE, AUTOSOMAL RECESSIVE. Identifiers: Orphanet 79240, MedGen C0543514, MONDO:0009868, OMIM 261750.

Allele frequency attached by ClinVar (database versions not stated): gnomAD exomes 0.00002; ExAC 0.00003; TOPMed 0.00003; gnomAD 0.00005; ESP Exome Variant Server 0.00008.

Submissions (2):

Ambry Genetics
Classification: Uncertain significance for Inborn genetic diseases. Last evaluated: 2022-12-16. Review status: criteria provided, single submitter. Criteria: Ambry Variant Classification Scheme 2023. Collection method: clinical testing. Allele origin: germline.

Labcorp Genetics (formerly Invitae), Labcorp
Classification: Uncertain significance for Glycogen storage disease IXb. Last evaluated: 2022-05-29. Review status: criteria provided, single submitter. Criteria: Invitae Variant Classification Sherloc (09022015). Collection method: clinical testing. Allele origin: germline.
Comment: This sequence change replaces arginine, which is basic and polar, with glutamine, which is neutral and polar, at codon 103 of the PHKB protein (p.Arg103Gln). This variant is present in population databases (rs368975705, gnomAD 0.02%). This variant has not been reported in the literature in individuals affected with PHKB-related conditions. Algorithms developed to predict the effect of missense changes on protein structure and function are either unavailable or do not agree on the potential impact of this missense change (SIFT: "Deleterious"; PolyPhen-2: "Possibly Damaging"; Align-GVGD: "Class C0"). In summary, the available evidence is currently insufficient to determine the role of this variant in disease. Therefore, it has been classified as a Variant of Uncertain Significance.